The following is an entry in ClinVar:

ClinVar aggregate classification (germline): Pathogenic/Likely pathogenic. Review status: criteria provided, multiple submitters, no conflicts (2 of 4 stars). 2 submissions from 2 submitters: Pathogenic (1); Likely pathogenic (1). Last evaluated 2023-12-06.

Conditions:
Clark-Baraitser syndrome. Also called: MENTAL RETARDATION, AUTOSOMAL DOMINANT 49; BARAITSER SYNDROME; Mental retardation, tall stature, obesity, macrocephaly and typical facial features; Intellectual disability, autosomal dominant 49. Identifiers: Orphanet 600731, MedGen C2931130, MONDO:0030914, OMIM 617752.

gnomAD v4.1: 1 of 1,612,794 alleles (0.000062%); highest among the groups gnomAD compares: African/African-American, 0.0013%; no homozygotes.

Submissions (2):

GeneDx
Classification: Pathogenic. Last evaluated: 2023-12-06. Review status: criteria provided, single submitter. Criteria: GeneDx Variant Classification Process June 2021. Collection method: clinical testing. Allele origin: germline. Affected: yes.
Comment: Not observed at significant frequency in large population cohorts (gnomAD); In silico analysis supports that this missense variant has a deleterious effect on protein structure/function; This variant is associated with the following publications: (PMID: 34015165)

Genetics and Prenatal Diagnosis Center, The First Affiliated Hospital of Zhengzhou University
Classification: Likely pathogenic for Clark-Baraitser syndrome. Last evaluated: 2021-05-13. Review status: criteria provided, single submitter. Criteria: ACMG Guidelines, 2015. Collection method: clinical testing. Allele origin: de novo. Affected: yes.

NM_001348323.3(TRIP12):c.4904G>A (p.Arg1635Gln)

Gene: TRIP12 (thyroid hormone receptor interactor 12; minus strand). Cytogenetic location: 2q36.3.
Variant type: single nucleotide variant.
Coding change: c.4904G>A on transcript NM_001348323.3 (MANE Select); coding-DNA position 4904, G replaced by A.
Protein change: p.Arg1635Gln; replaces arginine 1635 with glutamine.
Molecular consequence: missense variant.
Genome position (GRCh38, 1-based): chr2:229,787,596, C>T on the plus strand (G>A on the coding strand, the complement: TRIP12 is on the minus strand). VCF-style: chr2-229787596-C-T. GRCh37 (hg19) VCF-style: chr2-230652312-C-T.
Other names: c.4823G>A, p.Arg1608Gln (NM_001284214.2, NM_001348315.2); c.4778G>A, p.Arg1593Gln (NM_001284215.2, NM_001348316.2); c.3869G>A, p.Arg1290Gln (NM_001284216.2); c.4763G>A, p.Arg1588Gln (NM_001348317.1, NM_001348318.2); c.4889G>A, p.Arg1630Gln (NM_001348319.1, NM_001348320.2); c.4892G>A, p.Arg1631Gln (NM_001348321.1); c.4904G>A, p.Arg1635Gln (NM_001348322.1, NM_001348324.2, NM_001348325.2 and 2 more transcripts); c.4907G>A, p.Arg1636Gln (NM_001348328.1, NM_001348329.2, NM_001348330.2); and 5 more; short protein forms R1290Q, R1560Q, R1561Q, R1588Q, R1593Q, R1601Q, R1608Q, R1609Q.
Identifiers: ClinVar variation 1098288 (VCV001098288.2), dbSNP rs2154255374, ClinGen allele CA350892801.
Genomic context (GRCh38, chr2:229,787,596, plus strand): 5'-CTATCTTGAGAATCAGACTGGTTGATTTCTGGGTTGGTATCAAGTAATCTTTGCATTGCT[C>T]GGTCCCGATCAAATGCAGTTACATAAAAAAGCATTTGCCGGGTATCAAAAGGAAAGAAAA-3'
Protein context (NP_001335252.1, residues 1625-1645): LFYVTAFDRD[Arg1635Gln]AMQRLLDTNP